The following is an entry in ClinVar:

ClinVar aggregate classification (germline): Uncertain significance (1 of 4 stars; one submission).

Conditions:
Hereditary cancer-predisposing syndrome. Also called: Neoplastic Syndromes, Hereditary; Tumor predisposition; Hereditary Cancer Syndrome; Hereditary neoplastic syndrome. Identifiers: Orphanet 140162, MedGen C0027672, MeSH D009386, MONDO:0015356.

Submission:

Ambry Genetics
Classification: Uncertain significance for Hereditary cancer-predisposing syndrome. Last evaluated: 2022-07-02. Review status: criteria provided, single submitter. Criteria: Ambry Variant Classification Scheme 2023. Collection method: clinical testing. Allele origin: germline.
Comment: The p.A740G variant (also known as c.2219C>G), located in coding exon 15 of the APC gene, results from a C to G substitution at nucleotide position 2219. The alanine at codon 740 is replaced by glycine, an amino acid with similar properties. This amino acid position is conserved. In addition, in silico predictors for this gene do not accurately predict pathogenicity. Since supporting evidence is limited at this time, the clinical significance of this alteration remains unclear.

NM_000038.6(APC):c.2219C>G (p.Ala740Gly)

Gene: APC (APC regulator of Wnt signaling pathway; plus strand). Cytogenetic location: 5q22.2.
Variant type: single nucleotide variant.
Coding change: c.2219C>G on transcript NM_000038.6 (MANE Select); coding-DNA position 2219, C replaced by G.
Protein change: p.Ala740Gly; replaces alanine 740 with glycine.
Molecular consequence: missense variant.
Genome position (GRCh38, 1-based): chr5:112,837,813, C>G. VCF-style: chr5-112837813-C-G. GRCh37 (hg19) VCF-style: chr5-112173510-C-G.
Other names: c.2219C>G, p.Ala740Gly (NM_001127510.3, NM_001354895.2, NM_001407450.1); c.2165C>G, p.Ala722Gly (NM_001127511.3); c.2273C>G, p.Ala758Gly (NM_001354896.2, NM_001407447.1, NM_001407448.1 and 1 more transcripts); c.2249C>G, p.Ala750Gly (NM_001354897.2); c.2144C>G, p.Ala715Gly (NM_001354898.2); c.2135C>G, p.Ala712Gly (NM_001354899.2); c.2096C>G, p.Ala699Gly (NM_001354900.2); c.2042C>G, p.Ala681Gly (NM_001354901.2, NM_001407453.1); and 11 more; short protein forms A649G, A750G, A580G, A657G, A715G, A733G, A740G, A768G.
Identifiers: ClinVar variation 1787884 (VCV001787884.2), dbSNP rs2149863611, ClinGen allele CA16026196.